The following is an entry in ClinVar:

ClinVar aggregate classification (germline): Uncertain significance (1 of 4 stars; one submission).

gnomAD v4.1: 1 of 1,613,940 alleles (0.000062%); highest among the groups gnomAD compares: Non-Finnish European, 0.000085%; no homozygotes.

Submission:

Women's Health and Genetics/Laboratory Corporation of America, LabCorp
Classification: Uncertain significance. Last evaluated: 2025-06-13. Review status: criteria provided, single submitter. Criteria: LabCorp Variant Classification Summary - May 2015. Collection method: clinical testing. Allele origin: germline.
Comment: Variant summary: ELP1 c.862A>G (p.Lys288Glu) results in a conservative amino acid change in the encoded protein sequence. Algorithms developed to predict the effect of missense changes on protein structure and function are either unavailable or do not agree on the potential impact of this missense change. Consensus agreement among computation tools predict no significant impact on normal splicing. However, these predictions have yet to be confirmed by functional studies. The variant allele was found at a frequency of 4e-06 in 251464 control chromosomes. The available data on variant occurrences in the general population are insufficient to allow any conclusion about variant significance. To our knowledge, no occurrence of c.862A>G in individuals affected with Familial Dysautonomia and no experimental evidence demonstrating its impact on protein function have been reported. No submitters have cited clinical-significance assessments for this variant to ClinVar. Based on the evidence outlined above, the variant was classified as uncertain significance.

NM_003640.5(ELP1):c.862A>G (p.Lys288Glu)

Gene: ELP1 (elongator acetyltransferase complex subunit 1; minus strand). Cytogenetic location: 9q31.3.
Variant type: single nucleotide variant.
Coding change: c.862A>G on transcript NM_003640.5 (MANE Select); coding-DNA position 862, A replaced by G.
Protein change: p.Lys288Glu; replaces lysine 288 with glutamic acid.
Molecular consequence: missense variant. On other transcripts: 5 prime UTR variant (1).
Genome position (GRCh38, 1-based): chr9:108,917,549, T>C on the plus strand (A>G on the coding strand, the complement: ELP1 is on the minus strand). VCF-style: chr9-108917549-T-C. GRCh37 (hg19) VCF-style: chr9-111679829-T-C.
Other names: c.520A>G, p.Lys174Glu (NM_001318360.2); c.-186A>G (NM_001330749.2); short protein forms K174E, K288E.
Identifiers: ClinVar variation 3907139 (VCV003907139.1).